The following is an entry in ClinVar:

ClinVar aggregate classification (germline): Uncertain significance. Review status: criteria provided, multiple submitters, no conflicts (2 of 4 stars). 2 submissions from 2 submitters: Uncertain significance (2). Last evaluated 2025-10-27.

Conditions:
Inborn genetic diseases. Identifiers: MedGen C0950123, MeSH D030342.
Leukocyte adhesion deficiency 3. Also called: Leukocyte adhesion deficiency, type III; INTEGRIN ACTIVATION DEFICIENCY DISEASE; LEUKOCYTE ADHESION DEFICIENCY 1 VARIANT. Identifiers: Orphanet 2968, Orphanet 99844, MedGen C2748536, MONDO:0013016, OMIM 612840.

Allele frequency attached by ClinVar (database versions not stated): ExAC 0.00002; TOPMed 0.00002; gnomAD exomes 0.00003.

Submissions (2):

Labcorp Genetics (formerly Invitae), Labcorp
Classification: Uncertain significance for Leukocyte adhesion deficiency 3. Last evaluated: 2025-10-27. Review status: criteria provided, single submitter. Criteria: Invitae Variant Classification Sherloc (09022015). Collection method: clinical testing. Allele origin: germline.
Comment: This sequence change replaces alanine, which is neutral and non-polar, with threonine, which is neutral and polar, at codon 570 of the FERMT3 protein (p.Ala570Thr). This variant is present in population databases (rs756707894, gnomAD 0.04%). This variant has not been reported in the literature in individuals affected with FERMT3-related conditions. ClinVar contains an entry for this variant (Variation ID: 834563). Invitae Evidence Modeling of protein sequence and biophysical properties (such as structural, functional, and spatial information, amino acid conservation, physicochemical variation, residue mobility, and thermodynamic stability) indicates that this missense variant is not expected to disrupt FERMT3 protein function with a negative predictive value of 80%. In summary, the available evidence is currently insufficient to determine the role of this variant in disease. Therefore, it has been classified as a Variant of Uncertain Significance.

Ambry Genetics
Classification: Uncertain significance for Inborn genetic diseases. Last evaluated: 2023-01-10. Review status: criteria provided, single submitter. Criteria: Ambry Variant Classification Scheme 2023. Collection method: clinical testing. Allele origin: germline.

NM_031471.6(FERMT3):c.1708G>A (p.Ala570Thr)

Gene: FERMT3 (FERM domain containing kindlin 3; plus strand). Cytogenetic location: 11q13.1.
Variant type: single nucleotide variant.
Coding change: c.1708G>A on transcript NM_031471.6 (MANE Select); coding-DNA position 1708, G replaced by A.
Protein change: p.Ala570Thr; replaces alanine 570 with threonine.
Molecular consequence: missense variant.
Genome position (GRCh38, 1-based): chr11:64,223,085, G>A. VCF-style: chr11-64223085-G-A. GRCh37 (hg19) VCF-style: chr11-63990557-G-A.
Other names: c.1708G>A, p.Ala570Thr (NM_001382361.1, NM_001382448.1); c.1720G>A, p.Ala574Thr (NM_001382362.1, NM_178443.3); c.1168G>A, p.Ala390Thr (NM_001382363.1); c.1180G>A, p.Ala394Thr (NM_001382364.1); short protein forms A574T, A570T, A390T, A394T.
Identifiers: ClinVar variation 834563 (VCV000834563.11), dbSNP rs756707894, ClinGen allele CA6069265.